The following is an entry in ClinVar:

ClinVar aggregate classification (germline): Uncertain significance (1 of 4 stars; one submission).

Conditions:
Cerebral folate transport deficiency. Also called: FOLATE RECEPTOR DEFICIENCY; Cerebral folate deficiency syndrome; FOLR1-Related Cerebral Folate Transport Deficiency; Neurodegenerative syndrome due to cerebral folate transport deficiency; NEURODEGENERATION DUE TO CEREBRAL FOLATE TRANSPORT DEFICIENCY. Identifiers: Orphanet 217382, MedGen C2751584, MONDO:0013110, OMIM 613068. Disease mechanism: loss of function.

Allele frequency attached by ClinVar (database versions not stated): ExAC 0.00001; gnomAD 0.00001; gnomAD exomes 0.00001.
gnomAD v4.1: 4 of 1,614,066 alleles (0.00025%); highest among the groups gnomAD compares: Non-Finnish European, 0.00034%; no homozygotes.

Submission:

Labcorp Genetics (formerly Invitae), Labcorp
Classification: Uncertain significance for Cerebral folate transport deficiency. Last evaluated: 2022-06-22. Review status: criteria provided, single submitter. Criteria: Invitae Variant Classification Sherloc (09022015). Collection method: clinical testing. Allele origin: germline.
Comment: This sequence change replaces lysine, which is basic and polar, with asparagine, which is neutral and polar, at codon 97 of the FOLR1 protein (p.Lys97Asn). In summary, the available evidence is currently insufficient to determine the role of this variant in disease. Therefore, it has been classified as a Variant of Uncertain Significance. Algorithms developed to predict the effect of missense changes on protein structure and function (SIFT, PolyPhen-2, Align-GVGD) all suggest that this variant is likely to be disruptive. This variant has not been reported in the literature in individuals affected with FOLR1-related conditions. This variant is present in population databases (rs775864895, gnomAD 0.003%).

NM_016729.3(FOLR1):c.291A>T (p.Lys97Asn)

Genes: FOLR1 (folate receptor alpha; plus strand), FOLR1-AS1 (FOLR1 antisense RNA 1; minus strand). Cytogenetic location: 11q13.4.
Variant type: single nucleotide variant.
Coding change: c.291A>T on transcript NM_016729.3 (MANE Select); coding-DNA position 291, A replaced by T.
Protein change: p.Lys97Asn; replaces lysine 97 with asparagine.
Molecular consequence: missense variant.
Genome position (GRCh38, 1-based): chr11:72,195,393, A>T. VCF-style: chr11-72195393-A-T. GRCh37 (hg19) VCF-style: chr11-71906437-A-T.
Other names: c.291A>T, p.Lys97Asn (NM_000802.3, NM_016724.3, NM_016725.3 and 1 more transcripts); short protein forms K97N.
Identifiers: ClinVar variation 2009251 (VCV002009251.4), dbSNP rs775864895, ClinGen allele CA6169148.